The following is an entry in ClinVar:

NM_000393.5(COL5A2):c.4152del (p.Thr1385fs)

Gene: COL5A2 (collagen type V alpha 2 chain; minus strand). Cytogenetic location: 2q32.2.
Variant type: Deletion.
Coding change: c.4152del on transcript NM_000393.5 (MANE Select); coding-DNA position 4152, one base deleted (T; older notation c.4152delT).
Protein change: p.Thr1385fs; shifts the reading frame from threonine 1385.
Molecular consequence: frameshift variant.
Genome position (GRCh38, 1-based): chr2:189,035,117, A deleted on the plus strand (T on the coding strand, the reverse complement: COL5A2 is on the minus strand); the first of 2 consecutive A bases (chr2:189,035,117-189,035,118); deleting either gives the same sequence. VCF-style (leftmost placement, unchanged base first): chr2-189035116-TA-T. GRCh37 (hg19) VCF-style: chr2-189899842-TA-T.
Other names: short protein forms T1385fs.
Identifiers: ClinVar variation 3495600 (VCV003495600.1).

ClinVar aggregate classification (germline): Uncertain significance (1 of 4 stars; one submission).

Conditions:
Familial thoracic aortic aneurysm and aortic dissection (TAAD). Also called: Thoracic aortic aneurysms and dissections. Identifiers: Orphanet 91387, MedGen C4707243, MONDO:0019625.

Submission:

Ambry Genetics
Classification: Uncertain significance for Familial thoracic aortic aneurysm and aortic dissection. Last evaluated: 2024-11-08. Review status: criteria provided, single submitter. Criteria: Ambry Variant Classification Scheme 2023. Collection method: clinical testing. Allele origin: germline.
Comment: The c.4152delT variant, located in coding exon 53 of the COL5A2 gene, results from a deletion of one nucleotide at nucleotide position 4152, causing a translational frameshift with a predicted alternate stop codon (p.T1385Lfs*3). This alteration is expected to result in protein truncation or nonsense-mediated mRNA decay. However, loss of function of COL5A2 has not been established as a mechanism of disease. Based on the available evidence, the clinical significance of this alteration remains unclear.